The following is an entry in ClinVar:

ClinVar aggregate classification (germline): Uncertain significance (1 of 4 stars; one submission).

Allele frequency attached by ClinVar (database versions not stated): gnomAD exomes below 0.00001.

Submission:

Greenwood Genetic Center Diagnostic Laboratories, Greenwood Genetic Center
Classification: Uncertain significance. Last evaluated: 2022-04-21. Review status: criteria provided, single submitter. Criteria: ACMG Guidelines, 2015. Collection method: clinical testing. Allele origin: germline. Affected: yes.
Comment: PS2, BP4

NM_001135651.3(EIF2AK2):c.770A>G (p.Tyr257Cys)

Gene: EIF2AK2 (eukaryotic translation initiation factor 2 alpha kinase 2; minus strand). Cytogenetic location: 2p22.2.
Variant type: single nucleotide variant.
Coding change: c.770A>G on transcript NM_001135651.3 (MANE Select); coding-DNA position 770, A replaced by G.
Protein change: p.Tyr257Cys; replaces tyrosine 257 with cysteine.
Molecular consequence: missense variant.
Genome position (GRCh38, 1-based): chr2:37,135,499, T>C on the plus strand (A>G on the coding strand, the complement: EIF2AK2 is on the minus strand). VCF-style: chr2-37135499-T-C. GRCh37 (hg19) VCF-style: chr2-37362642-T-C.
Other names: c.770A>G, p.Tyr257Cys (NM_001135652.3, NM_002759.4); short protein forms Y257C.
Identifiers: ClinVar variation 1703161 (VCV001703161.3), dbSNP rs998218202, ClinGen allele CA346314959.